The following is an entry in ClinVar:

NM_033380.3(COL4A5):c.3026G>T (p.Gly1009Val)

Gene: COL4A5 (collagen type IV alpha 5 chain; plus strand). Cytogenetic location: Xq22.3.
Variant type: single nucleotide variant.
Coding change: c.3026G>T on transcript NM_033380.3 (MANE Select); coding-DNA position 3026, G replaced by T.
Protein change: p.Gly1009Val; replaces glycine 1009 with valine.
Molecular consequence: missense variant.
Genome position (GRCh38, 1-based): chrX:108,625,714, G>T. VCF-style: chrX-108625714-G-T. GRCh37 (hg19) VCF-style: chrX-107868944-G-T.
Other names: c.3026G>T, p.Gly1009Val (NM_000495.5); short protein forms G1009V.
Identifiers: ClinVar variation 5010180 (VCV005010180.1).
Genomic context (GRCh38, chrX:108,625,714, plus strand): 5'-CAACCCCAATATTGCTACATTGTCTTAATTTTACCAATTTGACCTTTCTAGGTCCCAAAG[G>T]TAACCCTGGTCTCCCTGGACAGCCAGGTCTTATAGGACCTCCTGGACTTAAAGGAACCAT-3'
Protein context (NP_203699.1, residues 999-1019): PGLPGPPGPK[Gly1009Val]NPGLPGQPGL

ClinVar aggregate classification (germline): Likely pathogenic (1 of 4 stars; one submission).

Conditions:
X-linked Alport syndrome (ATS1). Also called: NEPHROPATHY AND DEAFNESS, X-LINKED; COL4A5-Related Nephropathy. Identifiers: Orphanet 63, Orphanet 88917, MedGen C4746986, MONDO:0010520, OMIM 301050.

Submission:

MVZ Medizinische Genetik Mainz
Classification: Likely pathogenic for X-linked Alport syndrome. Last evaluated: 2026-09-11. Review status: criteria provided, single submitter. Criteria: UK Practice Guidelines For Variant Classification V4 01 2020. Collection method: clinical testing. Allele origin: germline. Inheritance: X-linked dominant inheritance. Affected: yes. Observed: 1 variant allele.
Comment: ACMG Criteria: PM1_STR,PM2_SUP,PP3